The following is an entry in ClinVar:

ClinVar aggregate classification (germline): Likely benign (1 of 4 stars; one submission).

Allele frequency attached by ClinVar (database versions not stated): gnomAD exomes below 0.00001.
gnomAD v4.1: 2 of 1,614,010 alleles (0.00012%); highest among the groups gnomAD compares: Middle Eastern, 0.017%; no homozygotes.

Submission:

CeGaT Center for Human Genetics Tuebingen
Classification: Likely benign. Last evaluated: 2022-07-01. Review status: criteria provided, single submitter. Criteria: CeGaT Center For Human Genetics Tuebingen Variant Classification Criteria Version 2. Collection method: clinical testing. Allele origin: germline. Affected: yes. Observed: 1 variant allele.
Comment: RPS15: BP4, BP7

NM_001018.5(RPS15):c.360C>T (p.Ser120=)

Gene: RPS15 (ribosomal protein S15; plus strand). Cytogenetic location: 19p13.3.
Variant type: single nucleotide variant.
Coding change: c.360C>T on transcript NM_001018.5 (MANE Select); coding-DNA position 360, C replaced by T.
Protein change: p.Ser120=; no amino-acid change (serine 120 retained).
Molecular consequence: synonymous variant.
Genome position (GRCh38, 1-based): chr19:1,440,384, C>T. VCF-style: chr19-1440384-C-T. GRCh37 (hg19) VCF-style: chr19-1440383-C-T.
Other names: c.381C>T, p.Ser127= (NM_001308226.2).
Identifiers: ClinVar variation 2648921 (VCV002648921.24), dbSNP rs931050968, ClinGen allele CA304045627.